The following is an entry in ClinVar:

ClinVar aggregate classification (germline): Uncertain significance (1 of 4 stars; one submission).

Submission:

Labcorp Genetics (formerly Invitae), Labcorp
Classification: Uncertain significance. Last evaluated: 2025-01-14. Review status: criteria provided, single submitter. Criteria: Invitae Variant Classification Sherloc (09022015). Collection method: clinical testing. Allele origin: germline.
Comment: This sequence change creates a premature translational stop signal (p.Gly541Glufs*5) in the SAMD9L gene. While this is not anticipated to result in nonsense mediated decay, it is expected to disrupt the last 1044 amino acid(s) of the SAMD9L protein. This variant is not present in population databases (gnomAD no frequency). This variant has not been reported in the literature in individuals affected with SAMD9L-related conditions. ClinVar contains an entry for this variant (Variation ID: 1387637). Experimental studies and prediction algorithms are not available or were not evaluated, and the functional significance of this variant is currently unknown. In summary, the available evidence is currently insufficient to determine the role of this variant in disease. Therefore, it has been classified as a Variant of Uncertain Significance.

NM_152703.5(SAMD9L):c.1622del (p.Gly541fs)

Gene: SAMD9L (sterile alpha motif domain containing 9 like; minus strand). Cytogenetic location: 7q21.2.
Variant type: Deletion.
Coding change: c.1622del on transcript NM_152703.5 (MANE Select); coding-DNA position 1622, one base deleted (G; older notation c.1622delG).
Protein change: p.Gly541fs; shifts the reading frame from glycine 541.
Molecular consequence: frameshift variant.
Genome position (GRCh38, 1-based): chr7:93,134,350, C deleted on the plus strand (G on the coding strand, the reverse complement: SAMD9L is on the minus strand); the first of 2 consecutive C bases (chr7:93,134,350-93,134,351); deleting either gives the same sequence. VCF-style (leftmost placement, unchanged base first): chr7-93134349-TC-T. GRCh37 (hg19) VCF-style: chr7-92763662-TC-T.
Other names: c.1622del, p.Gly541fs (NM_001303496.3, NM_001303497.3, NM_001303498.3 and 5 more transcripts); short protein forms G541fs.
Identifiers: ClinVar variation 1387637 (VCV001387637.8), dbSNP rs2116495073, ClinGen allele CA2573142491.
Genomic context (GRCh38, chr7:93,134,349, plus strand): 5'-AATGAGTGGATCTCCTGGGCTTTCCACTGAAGAGAGTAATAGAAACACTACCAAAAATTT[TC>T]CTCTTGTCATTATATTTTCATCTGTGAGAAATAAAATTAGTTTCCTGACTTCTGAAGCTC-3'